The following is an entry in ClinVar:

NM_014285.7(EXOSC2):c.801+6C>T

Gene: EXOSC2 (exosome component 2; plus strand). Cytogenetic location: 9q34.12.
Variant type: single nucleotide variant.
Coding change: c.801+6C>T on transcript NM_014285.7 (MANE Select); 6 bases into the intron after coding-DNA position 801, C replaced by T.
Molecular consequence: intron variant.
Genome position (GRCh38, 1-based): chr9:130,703,187, C>T. VCF-style: chr9-130703187-C-T. GRCh37 (hg19) VCF-style: chr9-133578574-C-T.
Other names: c.723+6C>T (NM_001282708.1); c.711+6C>T (NM_001282709.1).
Identifiers: ClinVar variation 1003377 (VCV001003377.7), dbSNP rs1831257109, ClinGen allele CA1881366076.
Genomic context (GRCh38, chr9:130,703,187, plus strand): 5'-GATGCTGTATGATACCAGCATCCTGTACTGCTATGAAGCATCCCTTCCACATCAGGTACT[C>T]TCCCCAGGGCCTCTCCCTTCTTCACTGATCTGTGAGCTGCTCTGTTGTTTGTTCAGAGAC-3'

ClinVar aggregate classification (germline): Uncertain significance (1 of 4 stars; one submission).

Submission:

Labcorp Genetics (formerly Invitae), Labcorp
Classification: Uncertain significance. Last evaluated: 2024-03-04. Review status: criteria provided, single submitter. Criteria: Invitae Variant Classification Sherloc (09022015). Collection method: clinical testing. Allele origin: germline.
Comment: This sequence change falls in intron 8 of the EXOSC2 gene. It does not directly change the encoded amino acid sequence of the EXOSC2 protein. It affects a nucleotide within the consensus splice site. This variant is not present in population databases (gnomAD no frequency). This variant has not been reported in the literature in individuals affected with EXOSC2-related conditions. ClinVar contains an entry for this variant (Variation ID: 1003377). Variants that disrupt the consensus splice site are a relatively common cause of aberrant splicing (PMID: 17576681, 9536098). Algorithms developed to predict the effect of sequence changes on RNA splicing suggest that this variant is not likely to affect RNA splicing. In summary, the available evidence is currently insufficient to determine the role of this variant in disease. Therefore, it has been classified as a Variant of Uncertain Significance.

Literature cited by the submitters: PubMed 17576681; PubMed 9536098.